The following is an entry in ClinVar:

NM_021871.4(FGA):c.1483_1495del (p.Met495fs)

Gene: FGA (fibrinogen alpha chain; minus strand). Cytogenetic location: 4q31.3.
Variant type: Deletion.
Coding change: c.1483_1495del on transcript NM_021871.4 (MANE Select); coding-DNA positions 1483 to 1495, 13 bases deleted (ATGGATTTAGGCA).
Protein change: p.Met495fs; shifts the reading frame from methionine 495.
Molecular consequence: frameshift variant.
Genome position (GRCh38, 1-based): chr4:154,585,934-154,585,946, TGCCTAAATCCAT deleted on the plus strand (ATGGATTTAGGCA on the coding strand, the reverse complement: FGA is on the minus strand); deleting any 13 consecutive bases within chr4:154,585,934-154,585,951 gives the same sequence; the c. name uses the placement nearest the transcript's 3' end. VCF-style (leftmost placement, unchanged base first): chr4-154585933-GTGCCTAAATCCAT-G. GRCh37 (hg19) VCF-style: chr4-155507085-GTGCCTAAATCCAT-G.
Other names: c.1483_1495del, p.Met495fs (NM_000508.5); short protein forms M495fs.
Identifiers: ClinVar variation 2632481 (VCV002632481.1), dbSNP rs2530820233, ClinGen allele CA2672444883.
Genomic context (GRCh38, chr4:154,585,933, plus strand): 5'-AAGGCAGCTTCATCAGGGTGCCTATGGCGGAACCCATCCAGAGTACCTATGCCAGACAAT[GTGCCTAAATCCAT>G]TGCCTCGGGACAGTCAGAACCATCTTCGGAGGTCACCACTTCTTTGGTAACTTCTTTGTG-3'

ClinVar aggregate classification (germline): Pathogenic (1 of 4 stars; one submission).

Conditions:
FGA-related disorder. Also called: FGA-related condition; FGA-related disorders.

Submission:

PreventionGenetics, part of Exact Sciences
Classification: Pathogenic for FGA-related condition. Last evaluated: 2023-06-22. Review status: criteria provided, single submitter. Criteria: ACMG Guidelines, 2015. Collection method: clinical testing. Allele origin: germline.
Comment: The FGA c.1483_1495del13 variant is predicted to result in a frameshift and premature protein termination (p.Met495Hisfs*5). This variant has been reported in the heterozygous state in multiple individuals in a family with Dysfibrinogenaemia (described as nt 4758–4770 deletion, Ridgway et al. 1996. PubMed ID: 8611457). This variant has not been reported in a large population database, indicating this variant is rare. Frameshift variants in FGA are expected to be pathogenic. This variant is interpreted as pathogenic.